The following is an entry in ClinVar:

ClinVar aggregate classification (germline): Uncertain significance (1 of 4 stars; one submission).

Allele frequency attached by ClinVar (database versions not stated): gnomAD exomes below 0.00001.
gnomAD v4.1: 2 of 1,609,898 alleles (0.00012%); highest among the groups gnomAD compares: Non-Finnish European, 0.000085%; no homozygotes.

Submission:

Ambry Genetics
Classification: Uncertain significance. Last evaluated: 2024-03-07. Review status: criteria provided, single submitter. Criteria: Ambry Variant Classification Scheme 2023. Collection method: clinical testing. Allele origin: germline.
Comment: The p.A112V variant (also known as c.335C>T), located in coding exon 1 of the EGLN2 gene, results from a C to T substitution at nucleotide position 335. The alanine at codon 112 is replaced by valine, an amino acid with similar properties. This amino acid position is conserved. In addition, this alteration is predicted to be tolerated by in silico analysis. Since supporting evidence is limited at this time, the clinical significance of this alteration remains unclear.

NM_080732.4(EGLN2):c.335C>T (p.Ala112Val)

Genes: EGLN2 (egl-9 family hypoxia inducible factor 2; plus strand), RAB4B-EGLN2 (RAB4B-EGLN2 readthrough (NMD candidate); plus strand). Cytogenetic location: 19q13.2.
Variant type: single nucleotide variant.
Coding change: c.335C>T on transcript NM_080732.4 (MANE Select); coding-DNA position 335, C replaced by T.
Protein change: p.Ala112Val; replaces alanine 112 with valine.
Molecular consequence: missense variant. On other transcripts: non-coding transcript variant (1).
Genome position (GRCh38, 1-based): chr19:40,800,907, C>T. VCF-style: chr19-40800907-C-T. GRCh37 (hg19) VCF-style: chr19-41306812-C-T.
Other names: c.335C>T, p.Ala112Val (NM_053046.4); short protein forms A112V.
Identifiers: ClinVar variation 1730590 (VCV001730590.2), dbSNP rs959873173, ClinGen allele CA405955042.
Genomic context (GRCh38, chr19:40,800,907, plus strand): 5'-AGAGTGAAGGCGCTGCAGCGCTGGTCACCAAGGGGTGCCAGCGATTGGCAGCCCAGGGCG[C>T]ACGGCCTGAGGCCCCCAAACGGAAATGGGCCGAGGATGGTGGGGATGCCCCTTCACCCAG-3'
Protein context (NP_542770.2, residues 102-122): KGCQRLAAQG[Ala112Val]RPEAPKRKWA